The following is an entry in ClinVar:

ClinVar aggregate classification (germline): Conflicting classifications of pathogenicity. Review status: criteria provided, conflicting classifications (1 of 4 stars). 2 submissions from 2 submitters: Uncertain significance (1); Likely benign (1). Last evaluated 2025-10-18.

Conditions:
Inborn genetic diseases. Identifiers: MedGen C0950123, MeSH D030342.
Brunner syndrome (BRNRS). Identifiers: Orphanet 3057, MedGen C0796275, MONDO:0010379, OMIM 300615.

Allele frequency attached by ClinVar (database versions not stated): gnomAD 0.00002 and 0.00003; ExAC 0.00005; gnomAD exomes 0.00006 and 0.00001; TOPMed 0.00005.
gnomAD v4.1: 18 of 1,204,448 alleles (0.0015%); highest among the groups gnomAD compares: Admixed American, 0.033%; no homozygotes.

Submissions (2):

Ambry Genetics
Classification: Likely benign for Inborn genetic diseases. Last evaluated: 2025-10-18. Review status: criteria provided, single submitter. Criteria: Ambry Variant Classification Scheme 2023. Collection method: clinical testing. Allele origin: germline.

Labcorp Genetics (formerly Invitae), Labcorp
Classification: Uncertain significance for Brunner syndrome. Last evaluated: 2022-08-23. Review status: criteria provided, single submitter. Criteria: Invitae Variant Classification Sherloc (09022015). Collection method: clinical testing. Allele origin: germline.
Comment: In summary, the available evidence is currently insufficient to determine the role of this variant in disease. Therefore, it has been classified as a Variant of Uncertain Significance. Algorithms developed to predict the effect of missense changes on protein structure and function are either unavailable or do not agree on the potential impact of this missense change (SIFT: "Tolerated"; PolyPhen-2: "Possibly Damaging"; Align-GVGD: "Class C0"). ClinVar contains an entry for this variant (Variation ID: 1438897). This variant has not been reported in the literature in individuals affected with MAOA-related conditions. This variant is present in population databases (rs574432879, gnomAD 0.04%), and has an allele count higher than expected for a pathogenic variant. This sequence change replaces isoleucine, which is neutral and non-polar, with threonine, which is neutral and polar, at codon 161 of the MAOA protein (p.Ile161Thr).

NM_000240.4(MAOA):c.482T>C (p.Ile161Thr)

Gene: MAOA (monoamine oxidase A; plus strand). Cytogenetic location: Xp11.3.
Variant type: single nucleotide variant.
Coding change: c.482T>C on transcript NM_000240.4 (MANE Select); coding-DNA position 482, T replaced by C.
Protein change: p.Ile161Thr; replaces isoleucine 161 with threonine.
Molecular consequence: missense variant.
Genome position (GRCh38, 1-based): chrX:43,712,775, T>C. VCF-style: chrX-43712775-T-C. GRCh37 (hg19) VCF-style: chrX-43572022-T-C.
Other names: c.482T>C (NM_000240.2); c.83T>C, p.Ile28Thr (NM_001270458.2); short protein forms I161T, I28T.
Identifiers: ClinVar variation 1438897 (VCV001438897.6), dbSNP rs574432879, ClinGen allele CA10390784.